The following is an entry in ClinVar:

NM_206933.4(USH2A):c.12974C>T (p.Pro4325Leu)

Gene: USH2A (usherin; minus strand). Cytogenetic location: 1q41.
Variant type: single nucleotide variant.
Coding change: c.12974C>T on transcript NM_206933.4 (MANE Select); coding-DNA position 12974, C replaced by T.
Protein change: p.Pro4325Leu; replaces proline 4325 with leucine.
Molecular consequence: missense variant.
Genome position (GRCh38, 1-based): chr1:215,674,937, G>A on the plus strand (C>T on the coding strand, the complement: USH2A is on the minus strand). VCF-style: chr1-215674937-G-A. GRCh37 (hg19) VCF-style: chr1-215848279-G-A.
Other names: short protein forms P4325L.
Identifiers: ClinVar variation 1003024 (VCV001003024.11), dbSNP rs925327591, ClinGen allele CA344847995.

ClinVar aggregate classification (germline): Uncertain significance. Review status: criteria provided, multiple submitters, no conflicts (2 of 4 stars). 2 submissions from 2 submitters: Uncertain significance (2). Last evaluated 2022-07-05.

Allele frequency attached by ClinVar (database versions not stated): gnomAD exomes below 0.00001.

Submissions (2):

Labcorp Genetics (formerly Invitae), Labcorp
Classification: Uncertain significance. Last evaluated: 2022-07-05. Review status: criteria provided, single submitter. Criteria: Invitae Variant Classification Sherloc (09022015). Collection method: clinical testing. Allele origin: germline.
Comment: In summary, the available evidence is currently insufficient to determine the role of this variant in disease. Therefore, it has been classified as a Variant of Uncertain Significance. Algorithms developed to predict the effect of missense changes on protein structure and function (SIFT, PolyPhen-2, Align-GVGD) all suggest that this variant is likely to be disruptive. ClinVar contains an entry for this variant (Variation ID: 1003024). This variant has not been reported in the literature in individuals affected with USH2A-related conditions. This variant is present in population databases (no rsID available, gnomAD 0.003%). This sequence change replaces proline, which is neutral and non-polar, with leucine, which is neutral and non-polar, at codon 4325 of the USH2A protein (p.Pro4325Leu).

Blueprint Genetics
Classification: Uncertain significance. Last evaluated: 2019-08-13. Review status: criteria provided, single submitter. Criteria: ACMG Guidelines, 2015. Collection method: clinical testing. Allele origin: germline.